The following is an entry in ClinVar:

ClinVar aggregate classification (germline): Uncertain significance (1 of 4 stars; one submission).

Conditions:
Inborn genetic diseases. Identifiers: MedGen C0950123, MeSH D030342.

Submission:

Ambry Genetics
Classification: Uncertain significance for Inborn genetic diseases. Last evaluated: 2022-11-06. Review status: criteria provided, single submitter. Criteria: Ambry Variant Classification Scheme 2023. Collection method: clinical testing. Allele origin: germline.
Comment: The p.R899L variant (also known as c.2696G>T), located in coding exon 18 of the PIK3CA gene, results from a G to T substitution at nucleotide position 2696. The arginine at codon 899 is replaced by leucine, an amino acid with dissimilar properties. This amino acid position is conserved. In addition, the in silico prediction for this alteration is inconclusive. Since supporting evidence is limited at this time, the clinical significance of this alteration remains unclear.

NM_006218.4(PIK3CA):c.2696G>T (p.Arg899Leu)

Gene: PIK3CA (phosphatidylinositol-4,5-bisphosphate 3-kinase catalytic subunit alpha; plus strand). Cytogenetic location: 3q26.32.
Variant type: single nucleotide variant.
Coding change: c.2696G>T on transcript NM_006218.4 (MANE Select); coding-DNA position 2696, G replaced by T.
Protein change: p.Arg899Leu; replaces arginine 899 with leucine.
Molecular consequence: missense variant.
Genome position (GRCh38, 1-based): chr3:179,230,033, G>T. VCF-style: chr3-179230033-G-T. GRCh37 (hg19) VCF-style: chr3-178947821-G-T.
Other names: short protein forms R899L.
Identifiers: ClinVar variation 2453434 (VCV002453434.2), dbSNP rs1725176691, ClinGen allele CA355279399.